The following is an entry in ClinVar:

ClinVar aggregate classification (germline): Uncertain significance. Review status: criteria provided, multiple submitters, no conflicts (2 of 4 stars). 2 submissions from 2 submitters: Uncertain significance (2). Last evaluated 2022-03-16.

Conditions:
Hypertrophic cardiomyopathy. Also called: HYPERTROPHIC MYOCARDIOPATHY. Identifiers: Orphanet 217569, MedGen C0007194, MeSH D002312, MONDO:0005045, HP:0001639.

Submissions (2):

Labcorp Genetics (formerly Invitae), Labcorp
Classification: Uncertain significance for Hypertrophic cardiomyopathy. Last evaluated: 2022-03-16. Review status: criteria provided, single submitter. Criteria: Invitae Variant Classification Sherloc (09022015). Collection method: clinical testing. Allele origin: germline.
Comment: This sequence change replaces serine, which is neutral and polar, with phenylalanine, which is neutral and non-polar, at codon 241 of the MYH7 protein (p.Ser241Phe). This variant is not present in population databases (gnomAD no frequency). This variant has not been reported in the literature in individuals affected with MYH7-related conditions. ClinVar contains an entry for this variant (Variation ID: 1316721). Algorithms developed to predict the effect of missense changes on protein structure and function are either unavailable or do not agree on the potential impact of this missense change (SIFT: "Deleterious"; PolyPhen-2: "Probably Damaging"; Align-GVGD: "Class C15"). This variant is found within a region of MYH7 between codons 181 and 937 that contains the majority of the myosin head domain. Missense variants in this region have been shown to be significantly overrepresented in individuals with hypertrophic cardiomyopathy (PMID: 27532257). In summary, the available evidence is currently insufficient to determine the role of this variant in disease. Therefore, it has been classified as a Variant of Uncertain Significance.

GeneDx
Classification: Uncertain significance. Last evaluated: 2019-03-07. Review status: criteria provided, single submitter. Criteria: GeneDx Variant Classification Process June 2021. Collection method: clinical testing. Allele origin: germline. Affected: yes.
Comment: This variant is associated with the following publications: (PMID: 29368431)

Literature cited by the submitters: PubMed 27532257 (cited by Labcorp Genetics (formerly Invitae), Labcorp).

NM_000257.4(MYH7):c.722C>T (p.Ser241Phe)

Gene: MYH7 (myosin heavy chain 7; minus strand). Cytogenetic location: 14q11.2.
Variant type: single nucleotide variant.
Coding change: c.722C>T on transcript NM_000257.4 (MANE Select); coding-DNA position 722, C replaced by T.
Protein change: p.Ser241Phe; replaces serine 241 with phenylalanine.
Molecular consequence: missense variant.
Genome position (GRCh38, 1-based): chr14:23,431,595, G>A on the plus strand (C>T on the coding strand, the complement: MYH7 is on the minus strand). VCF-style: chr14-23431595-G-A. GRCh37 (hg19) VCF-style: chr14-23900804-G-A.
Other names: short protein forms S241F.
Identifiers: ClinVar variation 1316721 (VCV001316721.6), dbSNP rs2138681654, ClinGen allele CA389052184.
Genomic context (GRCh38, chr14:23,431,595, plus strand): 5'-CCATTCCTCCACCAGTCCAAGTCCCAAGGCCAAGGTCAGGGACCACTCACGAAGCGGGAG[G>A]AGTTGTCGTTCCGGACGGTCTTGGCATTGCCAAAGGCCTCCAGAGCAGGGTTGGCCTGGA-3'
Protein context (NP_000248.2, residues 231-251): GNAKTVRNDN[Ser241Phe]SRFGKFIRIH